The following is an entry in ClinVar:

ClinVar aggregate classification (germline): Uncertain significance (1 of 4 stars; one submission).

Conditions:
Dyskeratosis congenita. Identifiers: Orphanet 1775, MedGen C0265965, MONDO:0015780.

gnomAD v4.1: 1 of 1,550,704 alleles (0.000064%); highest among the groups gnomAD compares: South Asian, 0.0012%; no homozygotes.

Submission:

Ambry Genetics
Classification: Uncertain significance for Dyskeratosis congenita. Last evaluated: 2025-04-24. Review status: criteria provided, single submitter. Criteria: Ambry Variant Classification Scheme 2023. Collection method: clinical testing. Allele origin: germline.
Comment: The p.R359S variant (also known as c.1077G>T), located in coding exon 2 of the TERT gene, results from a G to T substitution at nucleotide position 1077. The arginine at codon 359 is replaced by serine, an amino acid with dissimilar properties. This amino acid position is conserved. In addition, the in silico prediction for this alteration is inconclusive. Based on the available evidence, the clinical significance of this variant remains unclear.

NM_198253.3(TERT):c.1077G>T (p.Arg359Ser)

Gene: TERT (telomerase reverse transcriptase; minus strand). Cytogenetic location: 5p15.33.
Variant type: single nucleotide variant.
Coding change: c.1077G>T on transcript NM_198253.3 (MANE Select); coding-DNA position 1077, G replaced by T.
Protein change: p.Arg359Ser; replaces arginine 359 with serine.
Molecular consequence: missense variant. On other transcripts: non-coding transcript variant (2).
Genome position (GRCh38, 1-based): chr5:1,293,809, C>A on the plus strand (G>T on the coding strand, the complement: TERT is on the minus strand). VCF-style: chr5-1293809-C-A. GRCh37 (hg19) VCF-style: chr5-1293924-C-A.
Other names: c.1077G>T, p.Arg359Ser (NM_001193376.3); short protein forms R359S.
Identifiers: ClinVar variation 3967355 (VCV003967355.1).